The following is an entry in ClinVar:

ClinVar aggregate classification (germline): Uncertain significance (1 of 4 stars; one submission).

Conditions:
Fanconi anemia (FA). Also called: Fanconi's anemia. Identifiers: Orphanet 84, MedGen C0015625, MeSH D005199, MONDO:0019391.

Allele frequency attached by ClinVar (database versions not stated): gnomAD exomes below 0.00001; ExAC 0.00001.

Submission:

Labcorp Genetics (formerly Invitae), Labcorp
Classification: Uncertain significance for Fanconi anemia. Last evaluated: 2018-05-02. Review status: criteria provided, single submitter. Criteria: Invitae Variant Classification Sherloc (09022015). Collection method: clinical testing. Allele origin: germline.
Comment: In summary, the available evidence is currently insufficient to determine the role of this variant in disease. Therefore, it has been classified as a Variant of Uncertain Significance. Algorithms developed to predict the effect of missense changes on protein structure and function (SIFT, PolyPhen-2, Align-GVGD) all suggest that this variant is likely to be tolerated, but these predictions have not been confirmed by published functional studies and their clinical significance is uncertain. This variant has not been reported in the literature in individuals with FANCD2-related disease. This variant is present in population databases (rs780343756, ExAC 0.002%). This sequence change replaces valine with glycine at codon 49 of the FANCD2 protein (p.Val49Gly). The valine residue is moderately conserved and there is a moderate physicochemical difference between valine and glycine.

NM_001018115.3(FANCD2):c.146T>G (p.Val49Gly)

Genes: FANCD2 (FA complementation group D2; plus strand), LOC107303338 (3p25 FANCD2 Alu-mediated recombination region; plus strand). Cytogenetic location: 3p25.3.
Variant type: single nucleotide variant.
Coding change: c.146T>G on transcript NM_001018115.3 (MANE Select); coding-DNA position 146, T replaced by G.
Protein change: p.Val49Gly; replaces valine 49 with glycine.
Molecular consequence: missense variant.
Genome position (GRCh38, 1-based): chr3:10,032,913, T>G. VCF-style: chr3-10032913-T-G. GRCh37 (hg19) VCF-style: chr3-10074597-T-G.
Other names: c.146T>G, p.Val49Gly (NM_001319984.2, NM_001374253.1, NM_001374254.1 and 2 more transcripts); short protein forms V49G.
Identifiers: ClinVar variation 567161 (VCV000567161.8), dbSNP rs780343756, ClinGen allele CA2249119.